The following is an entry in ClinVar:

NM_052865.4(MGME1):c.721G>A (p.Ala241Thr)

Gene: MGME1 (mitochondrial genome maintenance exonuclease 1; plus strand). Cytogenetic location: 20p11.23.
Variant type: single nucleotide variant.
Coding change: c.721G>A on transcript NM_052865.4 (MANE Select); coding-DNA position 721, G replaced by A.
Protein change: p.Ala241Thr; replaces alanine 241 with threonine.
Molecular consequence: missense variant. On other transcripts: intron variant (1).
Genome position (GRCh38, 1-based): chr20:17,975,893, G>A. VCF-style: chr20-17975893-G-A. GRCh37 (hg19) VCF-style: chr20-17956536-G-A.
Other names: c.766G>A, p.Ala256Thr (NM_001310338.2); c.481G>A, p.Ala161Thr (NM_001363738.2); c.511+5523G>A (NM_001310339.2); short protein forms A161T, A241T, A256T.
Identifiers: ClinVar variation 2084682 (VCV002084682.2), dbSNP rs144977688, ClinGen allele CA9775002.

ClinVar aggregate classification (germline): Uncertain significance. Review status: criteria provided, multiple submitters, no conflicts (2 of 4 stars). 2 submissions from 2 submitters: Uncertain significance (2). Last evaluated 2022-03-01.

Conditions:
Inborn genetic diseases. Identifiers: MedGen C0950123, MeSH D030342.

Allele frequency attached by ClinVar (database versions not stated): ExAC 0.00001; TOPMed 0.00005; ESP Exome Variant Server 0.00008; gnomAD 0.00011.

Submissions (2):

Labcorp Genetics (formerly Invitae), Labcorp
Classification: Uncertain significance. Last evaluated: 2022-03-01. Review status: criteria provided, single submitter. Criteria: Invitae Variant Classification Sherloc (09022015). Collection method: clinical testing. Allele origin: germline.
Comment: This sequence change replaces alanine, which is neutral and non-polar, with threonine, which is neutral and polar, at codon 241 of the MGME1 protein (p.Ala241Thr). This variant is present in population databases (rs144977688, gnomAD 0.04%). This variant has not been reported in the literature in individuals affected with MGME1-related conditions. Algorithms developed to predict the effect of missense changes on protein structure and function are either unavailable or do not agree on the potential impact of this missense change (SIFT: "Deleterious"; PolyPhen-2: "Probably Damaging"; Align-GVGD: "Class C0"). In summary, the available evidence is currently insufficient to determine the role of this variant in disease. Therefore, it has been classified as a Variant of Uncertain Significance.

Ambry Genetics
Classification: Uncertain significance for Inborn genetic diseases. Last evaluated: 2022-01-31. Review status: criteria provided, single submitter. Criteria: Ambry Variant Classification Scheme 2023. Collection method: clinical testing. Allele origin: germline.